The following is an entry in ClinVar:

ClinVar aggregate classification (germline): Uncertain significance (1 of 4 stars; one submission).

Allele frequency attached by ClinVar (database versions not stated): TOPMed 0.00003; ExAC 0.00007; gnomAD exomes 0.00007; gnomAD 0.00008; ESP Exome Variant Server 0.00015.
gnomAD v4.1: 120 of 1,613,974 alleles (0.0074%); highest among the groups gnomAD compares: South Asian, 0.034%; 1 homozygote.

Submission:

Labcorp Genetics (formerly Invitae), Labcorp
Classification: Uncertain significance. Last evaluated: 2025-11-17. Review status: criteria provided, single submitter. Criteria: Invitae Variant Classification Sherloc (09022015). Collection method: clinical testing. Allele origin: germline.
Comment: This sequence change replaces arginine, which is basic and polar, with histidine, which is basic and polar, at codon 89 of the SCARB1 protein (p.Arg89His). This variant is present in population databases (rs200829988, gnomAD 0.04%). This variant has not been reported in the literature in individuals affected with SCARB1-related conditions. ClinVar contains an entry for this variant (Variation ID: 2197796). Invitae Evidence Modeling of protein sequence and biophysical properties (such as structural, functional, and spatial information, amino acid conservation, physicochemical variation, residue mobility, and thermodynamic stability) indicates that this missense variant is expected to disrupt SCARB1 protein function with a positive predictive value of 80%. In summary, the available evidence is currently insufficient to determine the role of this variant in disease. Therefore, it has been classified as a Variant of Uncertain Significance.

NM_005505.5(SCARB1):c.266G>A (p.Arg89His)

Gene: SCARB1 (scavenger receptor class B member 1; minus strand). Cytogenetic location: 12q24.31.
Variant type: single nucleotide variant.
Coding change: c.266G>A on transcript NM_005505.5 (MANE Select); coding-DNA position 266, G replaced by A.
Protein change: p.Arg89His; replaces arginine 89 with histidine.
Molecular consequence: missense variant. On other transcripts: non-coding transcript variant (9).
Genome position (GRCh38, 1-based): chr12:124,817,568, C>T on the plus strand (G>A on the coding strand, the complement: SCARB1 is on the minus strand). VCF-style: chr12-124817568-C-T. GRCh37 (hg19) VCF-style: chr12-125302114-C-T.
Other names: c.266G>A, p.Arg89His (NM_001082959.2, NM_001367981.1, NM_001367983.1 and 6 more transcripts); c.143G>A, p.Arg48His (NM_001367982.1); short protein forms R48H, R89H.
Identifiers: ClinVar variation 2197796 (VCV002197796.4), dbSNP rs200829988, ClinGen allele CA6870636.